The following is an entry in ClinVar:

ClinVar aggregate classification (germline): Uncertain significance (1 of 4 stars; one submission).

Conditions:
DNMT3A-related disorder. Also called: DNMT3A-related disorders; DNMT3A-related condition.

Allele frequency attached by ClinVar (database versions not stated): gnomAD exomes below 0.00001; TOPMed below 0.00001; gnomAD 0.00001.
gnomAD v4.1: 2 of 1,437,316 alleles (0.00014%); highest among the groups gnomAD compares: East Asian, 0.0053%; no homozygotes.

Submission:

PreventionGenetics, part of Exact Sciences
Classification: Uncertain significance for DNMT3A-related condition. Last evaluated: 2025-07-02. Review status: criteria provided, single submitter. Criteria: ACMG Guidelines, 2015. Collection method: clinical testing. Allele origin: germline.
Comment: The DNMT3A c.2T>A variant is predicted to disrupt the translation initiation site (Start loss). This variant is referred to as c.640-3841T>A (intronic) with an alternate transcript NM_175629 listed within the Human Gene Mutation Database (HGMD). To our knowledge, this variant has not been reported in the literature or in a large population database, indicating this variant is rare. At this time, the clinical significance of this variant is uncertain due to the absence of conclusive functional and genetic evidence.

NM_022552.5(DNMT3A):c.640-3841T>A

Genes: DNMT3A (DNA methyltransferase 3 alpha; minus strand), LOC129933288 (ATAC-STARR-seq lymphoblastoid silent region 11249; plus strand). Cytogenetic location: 2p23.3.
Variant type: single nucleotide variant.
Coding change: c.640-3841T>A on transcript NM_022552.5 (MANE Select); 3841 bases into the intron before coding-DNA position 640, T replaced by A.
Molecular consequence: intron variant. On other transcripts: missense variant (1), initiator codon variant (1).
Genome position (GRCh38, 1-based): chr2:25,252,093, A>T on the plus strand (T>A on the coding strand, the complement: DNMT3A is on the minus strand). VCF-style: chr2-25252093-A-T. GRCh37 (hg19) VCF-style: chr2-25474962-A-T.
Other names: c.2T>A, p.Met1Lys (NM_001320893.1); c.640-3841T>A (NM_175629.2); c.4+101T>A (NM_153759.3); c.-31+101T>A (NM_001375819.1); short protein forms M1K.
Identifiers: ClinVar variation 2635657 (VCV002635657.3), dbSNP rs1675636609, ClinGen allele CA1239269037.